The following is an entry in ClinVar:

ClinVar aggregate classification (germline): Uncertain significance (1 of 4 stars; one submission).

Conditions:
Cardiovascular phenotype. Identifiers: MedGen CN230736.

Submission:

Ambry Genetics
Classification: Uncertain significance for Cardiovascular phenotype. Last evaluated: 2025-06-23. Review status: criteria provided, single submitter. Criteria: Ambry Variant Classification Scheme 2023. Collection method: clinical testing. Allele origin: germline.
Comment: The p.A280S variant (also known as c.838G>T), located in coding exon 8 of the MYH6 gene, results from a G to T substitution at nucleotide position 838. The alanine at codon 280 is replaced by serine, an amino acid with similar properties. This amino acid position is conserved. In addition, this alteration is predicted to be tolerated by in silico analysis. Based on the available evidence, the clinical significance of this variant remains unclear.

NM_002471.4(MYH6):c.838G>T (p.Ala280Ser)

Gene: MYH6 (myosin heavy chain 6; minus strand). Cytogenetic location: 14q11.2.
Variant type: single nucleotide variant.
Coding change: c.838G>T on transcript NM_002471.4 (MANE Select); coding-DNA position 838, G replaced by T.
Protein change: p.Ala280Ser; replaces alanine 280 with serine.
Molecular consequence: missense variant.
Genome position (GRCh38, 1-based): chr14:23,403,408, C>A on the plus strand (G>T on the coding strand, the complement: MYH6 is on the minus strand). VCF-style: chr14-23403408-C-A. GRCh37 (hg19) VCF-style: chr14-23872617-C-A.
Other names: short protein forms A280S.
Identifiers: ClinVar variation 4114833 (VCV004114833.1).